The following is an entry in ClinVar:

NM_001257357.2(RAB44):c.2039A>T (p.Lys680Ile)

Gene: RAB44 (RAB44, member RAS oncogene family; plus strand). Cytogenetic location: 6p21.2.
Variant type: single nucleotide variant.
Coding change: c.2039A>T on transcript NM_001257357.2 (MANE Select); coding-DNA position 2039, A replaced by T.
Protein change: p.Lys680Ile; replaces lysine 680 with isoleucine.
Molecular consequence: missense variant.
Genome position (GRCh38, 1-based): chr6:36,722,173, A>T. VCF-style: chr6-36722173-A-T. GRCh37 (hg19) VCF-style: chr6-36689950-A-T.
Other names: short protein forms K680I.
Identifiers: ClinVar variation 3897744 (VCV003897744.1).

ClinVar aggregate classification (oncogenicity): Uncertain significance (1 of 4 stars; one submission).

Conditions:
Meningioma. Also called: Meningioma, somatic. Identifiers: Orphanet 2495, MedGen C0025286, MONDO:0016642, HP:0002858.

Submission:

Dr. Guy Rouleau's laboratory, McGill University
Classification: Uncertain significance for Meningioma. Last evaluated: 2025-03-30. Review status: criteria provided, single submitter. Criteria: ClinGen/CGC/VICC Guidelines for Oncogenicity, 2022. Collection method: research. Allele origin: somatic. Affected: yes.
Comment: This missense variant, located at position 680 in the RAB44 gene, results in the substitution of Lysine (K), a basic amino acid, with Isoleucine (I), a neutral and non-polar amino acid. This somatic variant was identified in a paired tumor-blood sequencing study of meningiomas. It has not been reported in population databases (gnomAD v2.1.1: no frequency). Due to insufficient evidence, the clinical significance of this variant remains unknown